The following is an entry in ClinVar:

ClinVar aggregate classification (germline): Uncertain significance. Review status: criteria provided, multiple submitters, no conflicts (2 of 4 stars). 2 submissions from 2 submitters: Uncertain significance (2). Last evaluated 2024-10-15.

Allele frequency attached by ClinVar (database versions not stated): ExAC 0.00002; gnomAD exomes 0.00002; gnomAD 0.00003; TOPMed 0.00003.

Submissions (2):

Labcorp Genetics (formerly Invitae), Labcorp
Classification: Uncertain significance. Last evaluated: 2024-10-15. Review status: criteria provided, single submitter. Criteria: Invitae Variant Classification Sherloc (09022015). Collection method: clinical testing. Allele origin: germline.
Comment: This sequence change replaces proline, which is neutral and non-polar, with leucine, which is neutral and non-polar, at codon 474 of the RDX protein (p.Pro474Leu). This variant is present in population databases (rs766253404, gnomAD 0.004%). This variant has not been reported in the literature in individuals affected with RDX-related conditions. ClinVar contains an entry for this variant (Variation ID: 1388586). An algorithm developed to predict the effect of missense changes on protein structure and function (PolyPhen-2) suggests that this variant¬†is likely to be tolerated. In summary, the available evidence is currently insufficient to determine the role of this variant in disease. Therefore, it has been classified as a Variant of Uncertain Significance.

Blueprint Genetics
Classification: Uncertain significance. Last evaluated: 2024-01-29. Review status: criteria provided, single submitter. Criteria: ACMG Guidelines, 2015. Collection method: clinical testing. Allele origin: germline.

NM_002906.4(RDX):c.1421C>T (p.Pro474Leu)

Gene: RDX (radixin; minus strand). Cytogenetic location: 11q22.3.
Variant type: single nucleotide variant.
Coding change: c.1421C>T on transcript NM_002906.4 (MANE Select); coding-DNA position 1421, C replaced by T.
Protein change: p.Pro474Leu; replaces proline 474 with leucine.
Molecular consequence: missense variant. On other transcripts: intron variant (1).
Genome position (GRCh38, 1-based): chr11:110,233,403, G>A on the plus strand (C>T on the coding strand, the complement: RDX is on the minus strand). VCF-style: chr11-110233403-G-A. GRCh37 (hg19) VCF-style: chr11-110104128-G-A.
Other names: c.1421C>T, p.Pro474Leu (NM_001260492.2, NM_001260493.2); c.1013C>T, p.Pro338Leu (NM_001260494.2); c.380C>T, p.Pro127Leu (NM_001260495.2); c.405-1399C>T (NM_001260496.2); short protein forms P474L, P127L, P338L.
Identifiers: ClinVar variation 1388586 (VCV001388586.5), dbSNP rs766253404, ClinGen allele CA6269974.